The following is an entry in ClinVar:

ClinVar aggregate classification (germline): Conflicting classifications of pathogenicity. Review status: criteria provided, conflicting classifications (1 of 4 stars). 2 submissions from 2 submitters: Uncertain significance (1); Likely benign (1). Last evaluated 2025-04-07.

Conditions:
Deafness-lymphedema-leukemia syndrome. Also called: Emberger syndrome; Lymphedema, primary, with myelodysplasia. Identifiers: Orphanet 3226, MedGen C3279664, MONDO:0013540, OMIM 614038.
Monocytopenia with susceptibility to infections. Also called: IMMUNODEFICIENCY 21; GATA2 DEFICIENCY; MONOCYTOPENIA AND MYCOBACTERIAL INFECTION SYNDROME; MONOCYTOPENIA WITH SUSCEPTIBILITY TO MYCOBACTERIAL, FUNGAL, AND PAPILLOMAVIRUS INFECTIONS AND MYELODYSPLASIA; COMBINED IMMUNODEFICIENCY WITH SUSCEPTIBILITY TO MYCOBACTERIAL, VIRAL, AND FUNGAL INFECTIONS; Dendritic cell, monocyte, B lymphocyte, and natural killer lymphocyte deficiency. Identifiers: Orphanet 228423, MedGen C3280030, MONDO:0013607, OMIM 614172.

Allele frequency attached by ClinVar (database versions not stated): TOPMed 0.00003.
gnomAD v4.1: 1 of 152,156 alleles (0.00066%); highest among the groups gnomAD compares: Non-Finnish European, 0.0015%; no homozygotes.

Submissions (2):

Labcorp Genetics (formerly Invitae), Labcorp
Classification: Likely benign for Monocytopenia with susceptibility to infections; Deafness-lymphedema-leukemia syndrome. Last evaluated: 2025-04-07. Review status: criteria provided, single submitter. Criteria: Invitae Variant Classification Sherloc (09022015). Collection method: clinical testing. Allele origin: germline.

Genetic Services Laboratory, University of Chicago
Classification: Uncertain significance. Last evaluated: 2021-01-08. Review status: criteria provided, single submitter. Criteria: ACMG Guidelines, 2015. Collection method: clinical testing. Allele origin: germline. Affected: no.
Comment: DNA sequence analysis of the GATA2 gene demonstrated a sequence change in intron 4, c.1017+525C>T. This change does not appear to have been previously described in patients with GATA2-related disorders; however other deep intronic variants in intron 4 of the GATA2 gene have been described in association with increased susceptibility to myelodysplastic syndrome or in patients with MonoMAC syndrome (PMIDs: 23365458, 26702063, 26492932, 23502222). This sequence change is absent in the gnomAD database. In silico analysis of splicing effects are uninformative for deep intronic changes. It is possible that this sequence change represents a benign sequence change in the GATA2 gene that has not been identified to date. The functional significance of this sequence change is not known at present and its contribution to this patient's disease phenotype cannot definitively be determined.

NM_032638.5(GATA2):c.1017+525C>T

Gene: GATA2 (GATA binding protein 2; minus strand). Cytogenetic location: 3q21.3.
Variant type: single nucleotide variant.
Coding change: c.1017+525C>T on transcript NM_032638.5 (MANE Select); 525 bases into the intron after coding-DNA position 1017, C replaced by T.
Molecular consequence: intron variant.
Genome position (GRCh38, 1-based): chr3:128,483,335, G>A on the plus strand (C>T on the coding strand, the complement: GATA2 is on the minus strand). VCF-style: chr3-128483335-G-A. GRCh37 (hg19) VCF-style: chr3-128202178-G-A.
Other names: c.1017+525C>T (NM_001145662.1, NM_001145661.2).
Identifiers: ClinVar variation 701467 (VCV000701467.14), dbSNP rs916833024, ClinGen allele CA83377046.